The following is an entry in ClinVar:

NM_007118.4(TRIO):c.850C>T (p.Gln284Ter)

Gene: TRIO (trio Rho guanine nucleotide exchange factor; plus strand). Cytogenetic location: 5p15.2.
Variant type: single nucleotide variant.
Coding change: c.850C>T on transcript NM_007118.4 (MANE Select); coding-DNA position 850, C replaced by T.
Protein change: p.Gln284Ter; replaces glutamine 284 with a stop codon.
Molecular consequence: nonsense. On other transcripts: non-coding transcript variant (1).
Genome position (GRCh38, 1-based): chr5:14,291,025, C>T. VCF-style: chr5-14291025-C-T. GRCh37 (hg19) VCF-style: chr5-14291134-C-T.
Other names: short protein forms Q284*.
Identifiers: ClinVar variation 3376421 (VCV003376421.1).

ClinVar aggregate classification (germline): Likely pathogenic (1 of 4 stars; one submission).

Conditions:
Intellectual developmental disorder, autosomal dominant 44, with microcephaly. Also called: TRIO-Related Intellectual Disability; Micrognathia-recurrent infections-behavioral abnormalities-mild intellectual disability syndrome. Identifiers: Orphanet 476126, MedGen C4310740, MONDO:0014892, OMIM 617061.

Submission:

Pittsburgh Clinical Genomics Laboratory, University of Pittsburgh Medical Center
Classification: Likely pathogenic for Intellectual developmental disorder, autosomal dominant 44, with microcephaly. Last evaluated: 2023-10-26. Review status: criteria provided, single submitter. Criteria: ACMG Guidelines, 2015. Collection method: clinical testing. Allele origin: germline. Inheritance: Autosomal dominant inheritance. Affected: yes.
Comment: This sequence variant is a single nucleotide substitution (C>T) at position 850 of the coding sequence of the TRIO gene that changes a glutamine codon into a premature termination signal. As this new termination codon occurs in exon 5 of 57 of the TRIO gene, this variant is predicted to generate a non-functional allele through either the expression of a truncated protein or a loss of trio Rho guanine nucleotide exchange factor expression due to nonsense mediated decay. This variant is absent from ClinVar and the gnomAD population database (0 of approximately 150,000 alleles). To our knowledge, this variant has not been observed in an individual with a TRIO-related disorder in the published literature. Likewise, the functional consequence of this variant has not been examined in the published literature, to our knowledge. However, haploinsufficiency in TRIO is a known mechanism of disease (PMID: 28796471). Based upon the evidence, we consider this variant to be likely pathogenic. ACMG Criteria: PM2, PVS1

Literature cited by the submitters: PubMed 28796471.